The following is an entry in ClinVar:

ClinVar aggregate classification (germline): Uncertain significance (1 of 4 stars; one submission).

Allele frequency attached by ClinVar (database versions not stated): gnomAD exomes below 0.00001.
gnomAD v4.1: 1 of 1,613,936 alleles (0.000062%); highest among the groups gnomAD compares: Middle Eastern, 0.016%; no homozygotes.

Submission:

Labcorp Genetics (formerly Invitae), Labcorp
Classification: Uncertain significance. Last evaluated: 2022-05-30. Review status: criteria provided, single submitter. Criteria: Invitae Variant Classification Sherloc (09022015). Collection method: clinical testing. Allele origin: germline.
Comment: Algorithms developed to predict the effect of missense changes on protein structure and function are either unavailable or do not agree on the potential impact of this missense change (SIFT: "Deleterious"; PolyPhen-2: "Not Available"; Align-GVGD: "Class C65"). In summary, the available evidence is currently insufficient to determine the role of this variant in disease. Therefore, it has been classified as a Variant of Uncertain Significance. This sequence change replaces proline, which is neutral and non-polar, with leucine, which is neutral and non-polar, at codon 232 of the COL9A1 protein (p.Pro232Leu). This variant is not present in population databases (gnomAD no frequency). This variant has not been reported in the literature in individuals affected with COL9A1-related conditions.

NM_001851.6(COL9A1):c.695C>T (p.Pro232Leu)

Gene: COL9A1 (collagen type IX alpha 1 chain; minus strand). Cytogenetic location: 6q13.
Variant type: single nucleotide variant.
Coding change: c.695C>T on transcript NM_001851.6 (MANE Select); coding-DNA position 695, C replaced by T.
Protein change: p.Pro232Leu; replaces proline 232 with leucine.
Molecular consequence: missense variant.
Genome position (GRCh38, 1-based): chr6:70,294,168, G>A on the plus strand (C>T on the coding strand, the complement: COL9A1 is on the minus strand). VCF-style: chr6-70294168-G-A. GRCh37 (hg19) VCF-style: chr6-71003871-G-A.
Other names: c.695C>T, p.Pro232Leu (NM_001377291.1); short protein forms P232L.
Identifiers: ClinVar variation 2066863 (VCV002066863.4), dbSNP rs2483497971, ClinGen allele CA364670307.
Genomic context (GRCh38, chr6:70,294,168, plus strand): 5'-TTCATTTTTACCAATCTAGTTTTGCTTTAATCTGCCATAGTGTGTGGTTTTATACTTACT[G>A]GAACAGAAACTTGAGGATTATCTGCAAGTTTTCCCAGCACAGCAAAGCCATCAATGTCAA-3'
Protein context (NP_001842.3, residues 222-242): KLADNPQVSV[Pro232Leu]FELQWMLIHC